The following is an entry in ClinVar:

NM_000135.4(FANCA):c.3934+10_3934+11del

Genes: FANCA (FA complementation group A; minus strand), ZNF276 (zinc finger protein 276; plus strand). Cytogenetic location: 16q24.3.
Variant type: Microsatellite.
Coding change: c.3934+10_3934+11del on transcript NM_000135.4 (MANE Select); bases 10 to 11 of the intron after coding-DNA position 3934, 2 bases deleted (AC; older notation c.3934+10_3934+11delAC).
Molecular consequence: intron variant. On other transcripts: 3 prime UTR variant (2), non-coding transcript variant (4).
Genome position (GRCh38, 1-based): chr16:89,739,983-89,739,984, GT deleted on the plus strand (AC on the coding strand, the reverse complement: FANCA is on the minus strand); deleting any 2 consecutive bases within chr16:89,739,983-89,739,986 gives the same sequence; the c. name uses the placement nearest the transcript's 3' end. VCF-style (leftmost placement, unchanged base first): chr16-89739982-CGT-C. GRCh37 (hg19) VCF-style: chr16-89806390-CGT-C.
Other names: c.*1737GT[1] (NM_001113525.2, NM_152287.4); c.3934+10_3934+11del (NM_001286167.3, NM_000135.2).
Identifiers: ClinVar variation 697913 (VCV000697913.11), dbSNP rs1491270557, ClinGen allele CA8250904.

ClinVar aggregate classification (germline): Conflicting classifications of pathogenicity. Review status: criteria provided, conflicting classifications (1 of 4 stars). 2 submissions from 2 submitters: Uncertain significance (1); Likely benign (1). Last evaluated 2026-01-24.

Conditions:
Fanconi anemia (FA). Also called: Fanconi's anemia. Identifiers: Orphanet 84, MedGen C0015625, MeSH D005199, MONDO:0019391.

Submissions (2):

Labcorp Genetics (formerly Invitae), Labcorp
Classification: Likely benign for Fanconi anemia. Last evaluated: 2026-01-24. Review status: criteria provided, single submitter. Criteria: Invitae Variant Classification Sherloc (09022015). Collection method: clinical testing. Allele origin: germline.

Quest Diagnostics Nichols Institute San Juan Capistrano
Classification: Uncertain significance. Last evaluated: 2024-01-16. Review status: criteria provided, single submitter. Criteria: Quest Diagnostics criteria. Collection method: clinical testing. Allele origin: unknown.
Comment: The FANCA c.3934+10_3934+11del variant has not been reported in individuals with FANCA-related conditions in the published literature. The frequency of this variant in the general population, 0.00046 (16/34582 chromosomes (Genome Aggregation Database)), is uninformative in the assessment of its pathogenicity. Analysis of this variant using software algorithms for the prediction of the effect of nucleotide changes on splicing yielded predictions that this variant does not affect FANCA mRNA splicing. Based on the available information, we are unable to determine the clinical significance of this variant.